The following is an entry in ClinVar:

ClinVar aggregate classification (germline): Uncertain significance. Review status: reviewed by expert panel (3 of 4 stars). 4 submissions from 4 submitters: Uncertain significance (1). 3 of the submissions do not count toward it. Last evaluated 2021-03-24.

Conditions:
Inborn genetic diseases. Identifiers: MedGen C0950123, MeSH D030342.
Christianson syndrome (MRXSCH). Also called: SLC9A6-Related Syndromic Mental Retardation; X-linked mental retardation, syndromic, Christianson type; INTELLECTUAL DEVELOPMENTAL DISORDER, X-LINKED, SYNDROMIC, CHRISTIANSON TYPE. Identifiers: Orphanet 85278, MedGen C2678194, MONDO:0010278, OMIM 300243.

Allele frequency attached by ClinVar (database versions not stated): TOPMed 0.00001; gnomAD exomes 0.00002.
gnomAD v4.1: 17 of 1,095,444 alleles (0.0016%); highest among the groups gnomAD compares: Non-Finnish European, 0.002%; no homozygotes.

Submissions (4):

ClinGen Rett and Angelman-like Disorders Variant Curation Expert Panel
Classification: Uncertain significance for Christianson syndrome. Last evaluated: 2021-03-24. Review status: reviewed by expert panel. Criteria: ClinGen RettAS ACMG Specifications V1. Collection method: curation. Allele origin: germline. Inheritance: X-linked inheritance.
Comment: The p.Met1? variant in SLC9A6 may cause a truncated or absent protein by altering the start codon of the coding sequence, however, to date, there is no additional evidence to support that the loss of this methionine is associated with disease (PVS1_supporting). The p.Met1? variant in SLC9A6 is absent from gnomAD (PM2_supporting). In summary, the p.Met1? variant in SLC9A6 is classified as a variant of uncertain significance based on the ACMG/AMP criteria (PVS1_supporting, PM2_supporting).

GeneDx
Classification: Uncertain significance. Last evaluated: 2024-04-27. Review status: criteria provided, single submitter. Criteria: GeneDx Variant Classification Process June 2021. Collection method: clinical testing. Allele origin: germline. Affected: yes. Not counted in ClinVar's aggregate classification.
Comment: Initiation codon variant in a region of a gene for which loss of function is not a known mechanism of disease; Has not been previously published as pathogenic or benign to our knowledge

Labcorp Genetics (formerly Invitae), Labcorp
Classification: Uncertain significance for Christianson syndrome. Last evaluated: 2023-12-08. Review status: criteria provided, single submitter. Criteria: Invitae Variant Classification Sherloc (09022015). Collection method: clinical testing. Allele origin: germline. Not counted in ClinVar's aggregate classification.
Comment: This sequence change affects the initiator methionine of the SLC9A6 mRNA. The next in-frame methionine is located at codon 25. This variant is present in population databases (no rsID available, gnomAD 0.005%). This variant has not been reported in the literature in individuals affected with SLC9A6-related conditions. ClinVar contains an entry for this variant (Variation ID: 383439). This variant disrupts a region of the SLC9A6 protein in which other variant(s) (p.Arg13His) have been observed in individuals with SLC9A6-related conditions (Invitae). This suggests that this is a clinically significant region of the protein, and that variants that disrupt it are likely to be disease-causing. In summary, the available evidence is currently insufficient to determine the role of this variant in disease. Therefore, it has been classified as a Variant of Uncertain Significance.

Ambry Genetics
Classification: Uncertain significance for Inborn genetic diseases. Last evaluated: 2022-06-02. Review status: criteria provided, single submitter. Criteria: Ambry Variant Classification Scheme 2023. Collection method: clinical testing. Allele origin: germline. Not counted in ClinVar's aggregate classification.
Comment: The c.2T>G (p.M1?) alteration is located in coding exon 1 of the SLC9A6 gene and consists of a T to G substitution at nucleotide position 1. This changes the amino acid from a methionine to a (?) at the initiation codon. Sequence variations that modify the initiation codon (ATG) are expected to cause a shift in the mRNA reading frame and are typically deleterious in nature (Richards, 2015). Based on insufficient or conflicting evidence, the clinical significance of this alteration remains unclear.

NM_001379110.1(SLC9A6):c.-57+27T>G

Genes: SLC9A6 (solute carrier family 9 member A6; plus strand), LOC130068746 (ATAC-STARR-seq lymphoblastoid silent region 21025; plus strand). Cytogenetic location: Xq26.3.
Variant type: single nucleotide variant.
Coding change: c.-57+27T>G on transcript NM_001379110.1 (MANE Select); 27 bases into the intron after 57 bases upstream of the start codon, T replaced by G.
Molecular consequence: intron variant. On other transcripts: missense variant (2), initiator codon variant (2).
Genome position (GRCh38, 1-based): chrX:135,985,504, T>G. VCF-style: chrX-135985504-T-G. GRCh37 (hg19) VCF-style: chrX-135067663-T-G.
Other names: c.2T>G, p.Met1Arg (NM_001042537.2, NM_006359.3); c.-57+27T>G (NM_001177651.2); c.-57+32T>G (NM_001330652.2); short protein forms M1R.
Identifiers: ClinVar variation 383439 (VCV000383439.16), dbSNP rs1006154022, ClinGen allele CA16608696.